The following is an entry in ClinVar:

NM_001134888.3(RTL1):c.135A>T (p.Ala45=)

Gene: RTL1 (retrotransposon Gag like 1; minus strand). Cytogenetic location: 14q32.2.
Variant type: single nucleotide variant.
Coding change: c.135A>T on transcript NM_001134888.3 (MANE Select); coding-DNA position 135, A replaced by T.
Protein change: p.Ala45=; no amino-acid change (alanine 45 retained).
Molecular consequence: synonymous variant.
Genome position (GRCh38, 1-based): chr14:100,884,654, T>A on the plus strand (A>T on the coding strand, the complement: RTL1 is on the minus strand). VCF-style: chr14-100884654-T-A. GRCh37 (hg19) VCF-style: chr14-101350991-T-A.
Other names: c.135A>T, p.Ala45= (NM_001425285.1).
Identifiers: ClinVar variation 2644555 (VCV002644555.24), dbSNP rs2503977113, ClinGen allele CA487919993.

ClinVar aggregate classification (germline): Likely benign (1 of 4 stars; one submission).

Submission:

CeGaT Center for Human Genetics Tuebingen
Classification: Likely benign. Last evaluated: 2023-10-01. Review status: criteria provided, single submitter. Criteria: CeGaT Center For Human Genetics Tuebingen Variant Classification Criteria Version 2. Collection method: clinical testing. Allele origin: germline. Affected: yes. Observed: 1 variant allele.
Comment: RTL1: PM2:Supporting, BP4, BP7